The following is an entry in ClinVar:

NM_001367721.1(CASK):c.1315-7A>G

Gene: CASK (calcium/calmodulin dependent serine protein kinase; minus strand). Cytogenetic location: Xp11.4.
Variant type: single nucleotide variant.
Coding change: c.1315-7A>G on transcript NM_001367721.1 (MANE Select); 7 bases into the intron before coding-DNA position 1315, A replaced by G.
Molecular consequence: intron variant.
Genome position (GRCh38, 1-based): chrX:41,578,535, T>C on the plus strand (A>G on the coding strand, the complement: CASK is on the minus strand). VCF-style: chrX-41578535-T-C. GRCh37 (hg19) VCF-style: chrX-41437788-T-C.
Other names: c.1297-7A>G (NM_001126055.3, NM_001410745.1); c.1315-7A>G (NM_001126054.3, NM_003688.4).
Identifiers: ClinVar variation 446287 (VCV000446287.2), dbSNP rs1555986221, ClinGen allele CA658799723.
Genomic context (GRCh38, chrX:41,578,535, plus strand): 5'-TGCTTCATCACTGTAAACTTCATGTGCCACTACGTCGTGAGTCTGAAGTAAGGCCTAGTG[T>C]TTTATGAAGAAAAAAATTATTAATAACATTACTATTTCAGCAGAAATTTATTTTATTTAT-3'

ClinVar aggregate classification (germline): Pathogenic (1 of 4 stars; one submission).

Conditions:
Syndromic X-linked intellectual disability Najm type (MICPCH). Also called: Intellectual Disability and Microcephaly with Pontine and Cerebellar Hypoplasia (MICPCH); Mental retardation and microcephaly with pontine and cerebellar hypoplasia; MENTAL RETARDATION, X-LINKED, SYNDROMIC, NAJM TYPE; Intellectual Disability and Microcephaly with Pontine and Cerebellar Hypoplasia; MICPCH SYNDROME; Intellectual developmental disorder and microcephaly with pontine and cerebellar hypoplasia. Identifiers: Orphanet 163937, MedGen C2677903, MONDO:0010417, OMIM 300749.

Submission:

Laboratory for Cytogenetics and Genome Research, KU Leuven
Classification: Pathogenic for Syndromic X-linked intellectual disability Najm type. Last evaluated: 2017-11-01. Review status: criteria provided, single submitter. Criteria: ACMG Guidelines, 2015. Collection method: research. Allele origin: de novo. Affected: yes. Observed: 1 variant allele.